The following is an entry in ClinVar:

ClinVar aggregate classification (germline): Uncertain significance. Review status: criteria provided, multiple submitters, no conflicts (2 of 4 stars). 2 submissions from 2 submitters: Uncertain significance (2). Last evaluated 2026-01-21.

Conditions:
Neurodevelopmental disorder. Identifiers: MedGen C1535926, MeSH D065886, MONDO:0700092.

Submissions (2):

Dasa
Classification: Uncertain significance for neurodevelopmental disorder. Last evaluated: 2026-01-21. Review status: criteria provided, single submitter. Criteria: DASA Assertion Criteria. Collection method: clinical testing. Allele origin: germline.
Comment: NM_144973.4(DENND5B):c.1115T>C (p.Ile372Thr) is a missense variant that results in the substitution of isoleucine with threonine. This variant is rare in population databases. The currently available literature and clinical evidence are not sufficient to establish a definitive association between this variant and the reported condition. Therefore, this variant is classified as a variant of uncertain significance.

Ambry Genetics
Classification: Uncertain significance. Last evaluated: 2024-01-16. Review status: criteria provided, single submitter. Criteria: Ambry Variant Classification Scheme 2023. Collection method: clinical testing. Allele origin: germline.

NM_144973.4(DENND5B):c.1115T>C (p.Ile372Thr)

Gene: DENND5B (DENN domain containing 5B; minus strand). Cytogenetic location: 12p11.21.
Variant type: single nucleotide variant.
Coding change: c.1115T>C on transcript NM_144973.4 (MANE Select); coding-DNA position 1115, T replaced by C.
Protein change: p.Ile372Thr; replaces isoleucine 372 with threonine.
Molecular consequence: missense variant.
Genome position (GRCh38, 1-based): chr12:31,452,454, A>G on the plus strand (T>C on the coding strand, the complement: DENND5B is on the minus strand). VCF-style: chr12-31452454-A-G. GRCh37 (hg19) VCF-style: chr12-31605388-A-G.
Other names: c.1220T>C, p.Ile407Thr (NM_001308339.2); c.1181T>C, p.Ile394Thr (NM_001366890.1, NM_001366893.1); c.584T>C, p.Ile195Thr (NM_001366891.1); c.1115T>C, p.Ile372Thr (NM_001366892.1); short protein forms I195T, I372T, I394T, I407T.
Identifiers: ClinVar variation 3081668 (VCV003081668.3), dbSNP rs2499106122, ClinGen allele CA384257837.